The following is an entry in ClinVar:

NM_001849.4(COL6A2):c.1124C>G (p.Pro375Arg)

Gene: COL6A2 (collagen type VI alpha 2 chain; plus strand). Cytogenetic location: 21q22.3.
Variant type: single nucleotide variant.
Coding change: c.1124C>G on transcript NM_001849.4 (MANE Select); coding-DNA position 1124, C replaced by G.
Protein change: p.Pro375Arg; replaces proline 375 with arginine.
Molecular consequence: missense variant.
Genome position (GRCh38, 1-based): chr21:46,118,621, C>G. VCF-style: chr21-46118621-C-G. GRCh37 (hg19) VCF-style: chr21-47538535-C-G.
Other names: c.1124C>G, p.Pro375Arg (NM_058174.3, NM_058175.3); short protein forms P375R.
Identifiers: ClinVar variation 1060526 (VCV001060526.11), dbSNP rs753834270, ClinGen allele CA10071712.

ClinVar aggregate classification (germline): Uncertain significance. Review status: criteria provided, multiple submitters, no conflicts (2 of 4 stars). 2 submissions from 2 submitters: Uncertain significance (2). Last evaluated 2024-10-14.

Conditions:
Bethlem myopathy 1A. Also called: Bethlem Muscular Dystrophy; MYOPATHY, BENIGN CONGENITAL, WITH CONTRACTURES; Bethlem myopathy 1. Identifiers: Orphanet 610, MedGen CN029274, MONDO:0024530, OMIM 158810.

Allele frequency attached by ClinVar (database versions not stated): gnomAD exomes below 0.00001; ExAC 0.00001.
gnomAD v4.1: 2 of 1,612,562 alleles (0.00012%); highest among the groups gnomAD compares: Admixed American, 0.0017%; no homozygotes.

Submissions (2):

Labcorp Genetics (formerly Invitae), Labcorp
Classification: Uncertain significance for Bethlem myopathy 1A. Last evaluated: 2024-10-14. Review status: criteria provided, single submitter. Criteria: Invitae Variant Classification Sherloc (09022015). Collection method: clinical testing. Allele origin: germline.
Comment: This sequence change replaces proline, which is neutral and non-polar, with arginine, which is basic and polar, at codon 375 of the COL6A2 protein (p.Pro375Arg). This variant is present in population databases (rs753834270, gnomAD 0.0009%). This variant has not been reported in the literature in individuals affected with COL6A2-related conditions. ClinVar contains an entry for this variant (Variation ID: 1060526). Invitae Evidence Modeling of protein sequence and biophysical properties (such as structural, functional, and spatial information, amino acid conservation, physicochemical variation, residue mobility, and thermodynamic stability) indicates that this missense variant is not expected to disrupt COL6A2 protein function with a negative predictive value of 80%. In summary, the available evidence is currently insufficient to determine the role of this variant in disease. Therefore, it has been classified as a Variant of Uncertain Significance.

Revvity Omics, Revvity
Classification: Uncertain significance. Last evaluated: 2021-06-17. Review status: criteria provided, single submitter. Criteria: ACMG Guidelines, 2015. Collection method: clinical testing. Allele origin: germline.